The following is an entry in ClinVar:

ClinVar aggregate classification (germline): Uncertain significance (1 of 4 stars; one submission).

Conditions:
Leber congenital amaurosis 3 (LCA3). Also called: SPATA7-Related Retinitis Pigmentosa. Identifiers: MedGen C1858677, MONDO:0011415, OMIM 604232.

Allele frequency attached by ClinVar (database versions not stated): ExAC 0.00001; gnomAD exomes 0.00001.
gnomAD v4.1: 5 of 1,613,762 alleles (0.00031%); highest among the groups gnomAD compares: South Asian, 0.0055%; no homozygotes.

Submission:

Labcorp Genetics (formerly Invitae), Labcorp
Classification: Uncertain significance for Leber congenital amaurosis 3. Last evaluated: 2022-08-23. Review status: criteria provided, single submitter. Criteria: Invitae Variant Classification Sherloc (09022015). Collection method: clinical testing. Allele origin: germline.
Comment: This sequence change replaces leucine, which is neutral and non-polar, with proline, which is neutral and non-polar, at codon 350 of the SPATA7 protein (p.Leu350Pro). This variant is present in population databases (rs758022550, gnomAD 0.006%). This variant has not been reported in the literature in individuals affected with SPATA7-related conditions. ClinVar contains an entry for this variant (Variation ID: 1059429). Algorithms developed to predict the effect of missense changes on protein structure and function (SIFT, PolyPhen-2, Align-GVGD) all suggest that this variant is likely to be tolerated. In summary, the available evidence is currently insufficient to determine the role of this variant in disease. Therefore, it has been classified as a Variant of Uncertain Significance.

NM_018418.5(SPATA7):c.1049T>C (p.Leu350Pro)

Gene: SPATA7 (spermatogenesis associated 7; plus strand). Cytogenetic location: 14q31.3.
Variant type: single nucleotide variant.
Coding change: c.1049T>C on transcript NM_018418.5 (MANE Select); coding-DNA position 1049, T replaced by C.
Protein change: p.Leu350Pro; replaces leucine 350 with proline.
Molecular consequence: missense variant.
Genome position (GRCh38, 1-based): chr14:88,431,192, T>C. VCF-style: chr14-88431192-T-C. GRCh37 (hg19) VCF-style: chr14-88897536-T-C.
Other names: c.953T>C, p.Leu318Pro (NM_001040428.4); short protein forms L318P, L350P.
Identifiers: ClinVar variation 1059429 (VCV001059429.6), dbSNP rs758022550, ClinGen allele CA7298699.